The following is an entry in ClinVar:

NM_006231.4(POLE):c.3110G>T (p.Arg1037Leu)

Gene: POLE (DNA polymerase epsilon, catalytic subunit; minus strand). Cytogenetic location: 12q24.33.
Variant type: single nucleotide variant.
Coding change: c.3110G>T on transcript NM_006231.4 (MANE Select); coding-DNA position 3110, G replaced by T.
Protein change: p.Arg1037Leu; replaces arginine 1037 with leucine.
Molecular consequence: missense variant.
Genome position (GRCh38, 1-based): chr12:132,659,460, C>A on the plus strand (G>T on the coding strand, the complement: POLE is on the minus strand). VCF-style: chr12-132659460-C-A. GRCh37 (hg19) VCF-style: chr12-133236046-C-A.
Other names: short protein forms R1037L.
Identifiers: ClinVar variation 3655212 (VCV003655212.2).

ClinVar aggregate classification (germline): Uncertain significance (1 of 4 stars; one submission).

Submission:

Labcorp Genetics (formerly Invitae), Labcorp
Classification: Uncertain significance. Last evaluated: 2024-05-31. Review status: criteria provided, single submitter. Criteria: Invitae Variant Classification Sherloc (09022015). Collection method: clinical testing. Allele origin: germline.
Comment: This sequence change replaces arginine, which is basic and polar, with leucine, which is neutral and non-polar, at codon 1037 of the POLE protein (p.Arg1037Leu). This variant is not present in population databases (gnomAD no frequency). This variant has not been reported in the literature in individuals affected with POLE-related conditions. Advanced modeling of protein sequence and biophysical properties (such as structural, functional, and spatial information, amino acid conservation, physicochemical variation, residue mobility, and thermodynamic stability) performed at Invitae indicates that this missense variant is expected to disrupt POLE protein function with a positive predictive value of 80%. In summary, the available evidence is currently insufficient to determine the role of this variant in disease. Therefore, it has been classified as a Variant of Uncertain Significance.